The following is an entry in ClinVar:

ClinVar aggregate classification (germline): Uncertain significance (1 of 4 stars; one submission).

Conditions:
LAMA2-related muscular dystrophy (LAMA2-RD). Also called: Laminin alpha 2-related dystrophy. Identifiers: MedGen C5679788, MONDO:0100228.

Submission:

Myriad Genetics, Inc.
Classification: Uncertain significance for LAMA2-related muscular dystrophy. Last evaluated: 2026-01-07. Review status: criteria provided, single submitter. Criteria: Myriad Autosomal Dominant, Autosomal Recessive and X-Linked Classification Criteria (2023). Collection method: clinical testing. Allele origin: unknown.
Comment: NM_000426.3(LAMA2):c.715C>G(R239G) is a missense variant classified as a variant of uncertain significance in the context of muscular dystrophy, LAMA2-related. R239G has not been observed in cases with relevant disease. Relevant functional assessments of this variant are not available in the literature. R239G has not been observed in referenced population frequency databases. In summary, there is insufficient evidence to classify NM_000426.3(LAMA2):c.715C>G(R239G) as pathogenic or benign. Please note: this variant was assessed in the context of healthy population screening.

NM_000426.4(LAMA2):c.715C>G (p.Arg239Gly)

Gene: LAMA2 (laminin subunit alpha 2; plus strand). Cytogenetic location: 6q22.33.
Variant type: single nucleotide variant.
Coding change: c.715C>G on transcript NM_000426.4 (MANE Select); coding-DNA position 715, C replaced by G.
Protein change: p.Arg239Gly; replaces arginine 239 with glycine.
Molecular consequence: missense variant.
Genome position (GRCh38, 1-based): chr6:129,143,976, C>G. VCF-style: chr6-129143976-C-G. GRCh37 (hg19) VCF-style: chr6-129465121-C-G.
Other names: c.715C>G, p.Arg239Gly (NM_001079823.2); short protein forms R239G.
Identifiers: ClinVar variation 5003882 (VCV005003882.1).
Genomic context (GRCh38, chr6:129,143,976, plus strand): 5'-ATCAATGGGAGACCAAGTGCCGATGATCCTTCTCCAGAACTGCTAGAATTTACCTCCGCT[C>G]GCTATATTCGCCTGAGATTTCAGAGGATCCGCACACTGAATGCTGACTTGATGATGTTTG-3'
Protein context (NP_000417.3, residues 229-249): SPELLEFTSA[Arg239Gly]YIRLRFQRIR